The following is an entry in ClinVar:

ClinVar aggregate classification (germline): Uncertain significance (1 of 4 stars; one submission).

Conditions:
Cardiovascular phenotype. Identifiers: MedGen CN230736.

Submission:

Ambry Genetics
Classification: Uncertain significance for Cardiovascular phenotype. Last evaluated: 2025-10-29. Review status: criteria provided, single submitter. Criteria: Ambry Variant Classification Scheme 2023. Collection method: clinical testing. Allele origin: germline.
Comment: The p.V496I variant (also known as c.1486G>A), located in coding exon 11 of the ABCG5 gene, results from a G to A substitution at nucleotide position 1486. The valine at codon 496 is replaced by isoleucine, an amino acid with highly similar properties. This amino acid position is conserved. In addition, this alteration is predicted to be tolerated by in silico analysis. Based on the available evidence, the clinical significance of this variant remains unclear.

NM_022436.3(ABCG5):c.1486G>A (p.Val496Ile)

Genes: ABCG5 (ATP binding cassette subfamily G member 5; minus strand), DYNC2LI1 (dynein cytoplasmic 2 light intermediate chain 1; plus strand). Cytogenetic location: 2p21.
Variant type: single nucleotide variant.
Coding change: c.1486G>A on transcript NM_022436.3 (MANE Select); coding-DNA position 1486, G replaced by A.
Protein change: p.Val496Ile; replaces valine 496 with isoleucine.
Molecular consequence: missense variant. On other transcripts: intron variant (2).
Genome position (GRCh38, 1-based): chr2:43,820,078, C>T on the plus strand (G>A on the coding strand, the complement: ABCG5 is on the minus strand). VCF-style: chr2-43820078-C-T. GRCh37 (hg19) VCF-style: chr2-44047217-C-T.
Other names: c.*16-7308C>T (NM_001348913.2, NM_001348912.2); short protein forms V496I.
Identifiers: ClinVar variation 4613327 (VCV004613327.1).